The following is an entry in ClinVar:

ClinVar aggregate classification (germline): Uncertain significance (1 of 4 stars; one submission).

Conditions:
Dyskeratosis congenita, autosomal recessive 6 (DKCB6). Identifiers: MedGen C4225356, MONDO:0014600, OMIM 616353.
Pulmonary fibrosis and/or bone marrow failure, Telomere-related, 4. Also called: PULMONARY FIBROSIS AND/OR BONE MARROW FAILURE SYNDROME, TELOMERE-RELATED, 4. Identifiers: Orphanet 2032, MedGen C4225347, MONDO:0014612, OMIM 616371.

Allele frequency attached by ClinVar (database versions not stated): TOPMed below 0.00001.
gnomAD v4.1: 2 of 1,595,464 alleles (0.00013%); no homozygotes.

Submission:

Labcorp Genetics (formerly Invitae), Labcorp
Classification: Uncertain significance for Dyskeratosis congenita, autosomal recessive 6; Pulmonary fibrosis and/or bone marrow failure, Telomere-related, 4. Last evaluated: 2025-07-21. Review status: criteria provided, single submitter. Criteria: Invitae Variant Classification Sherloc (09022015). Collection method: clinical testing. Allele origin: germline.
Comment: This sequence change replaces threonine, which is neutral and polar, with arginine, which is basic and polar, at codon 85 of the PARN protein (p.Thr85Arg). This variant is not present in population databases (gnomAD no frequency). This variant has not been reported in the literature in individuals affected with PARN-related conditions. ClinVar contains an entry for this variant (Variation ID: 2930503). Invitae Evidence Modeling of protein sequence and biophysical properties (such as structural, functional, and spatial information, amino acid conservation, physicochemical variation, residue mobility, and thermodynamic stability) indicates that this missense variant is not expected to disrupt PARN protein function with a negative predictive value of 80%. In summary, the available evidence is currently insufficient to determine the role of this variant in disease. Therefore, it has been classified as a Variant of Uncertain Significance.

NM_002582.4(PARN):c.254C>G (p.Thr85Arg)

Gene: PARN (poly(A)-specific ribonuclease; minus strand). Cytogenetic location: 16p13.12.
Variant type: single nucleotide variant.
Coding change: c.254C>G on transcript NM_002582.4 (MANE Select); coding-DNA position 254, C replaced by G.
Protein change: p.Thr85Arg; replaces threonine 85 with arginine.
Molecular consequence: missense variant. On other transcripts: intron variant (1).
Genome position (GRCh38, 1-based): chr16:14,627,179, G>C on the plus strand (C>G on the coding strand, the complement: PARN is on the minus strand). VCF-style: chr16-14627179-G-C. GRCh37 (hg19) VCF-style: chr16-14721036-G-C.
Other names: c.71C>G, p.Thr24Arg (NM_001134477.3); c.159-43C>G (NM_001242992.2); short protein forms T85R, T24R.
Identifiers: ClinVar variation 2930503 (VCV002930503.3), dbSNP rs139959455, ClinGen allele CA394816116.
Genomic context (GRCh38, chr16:14,627,179, plus strand): 5'-TTGACATCTGGTGAGGATCTATTGAAGGGTTTCGGGAAAACATAGAAGTTAAATGACTTC[G>C]TTATATACCTGGGATAAGATAAAAGGAGACTTAGGAGGTGACATTGTGCCACAAAAACGG-3'
Protein context (NP_002573.1, residues 75-95): KYDYTDSKYI[Thr85Arg]KSFNFYVFPK